The following is an entry in ClinVar:

NM_001130987.2(DYSF):c.2404G>A (p.Glu802Lys)

Gene: DYSF (dysferlin; plus strand). Cytogenetic location: 2p13.2.
Variant type: single nucleotide variant.
Coding change: c.2404G>A on transcript NM_001130987.2 (MANE Select); coding-DNA position 2404, G replaced by A.
Protein change: p.Glu802Lys; replaces glutamic acid 802 with lysine.
Molecular consequence: missense variant.
Genome position (GRCh38, 1-based): chr2:71,561,939, G>A. VCF-style: chr2-71561939-G-A. GRCh37 (hg19) VCF-style: chr2-71789069-G-A.
Other names: c.2353G>A, p.Glu785Lys (NM_001130455.2, NM_001130983.2); c.2308G>A, p.Glu770Lys (NM_001130976.2, NM_001130977.2); c.2350G>A, p.Glu784Lys (NM_001130978.2, NM_003494.4); c.2443G>A, p.Glu815Lys (NM_001130979.2); c.2401G>A, p.Glu801Lys (NM_001130980.2, NM_001130981.2); c.2446G>A, p.Glu816Lys (NM_001130982.2); c.2311G>A, p.Glu771Lys (NM_001130984.2, NM_001130986.2); c.2404G>A, p.Glu802Lys (NM_001130985.2); and 1 more; short protein forms E771K, E784K, E785K, E802K, E815K, E770K, E816K, E801K.
Identifiers: ClinVar variation 2155892 (VCV002155892.2), dbSNP rs1490128869, ClinGen allele CA347210091.

ClinVar aggregate classification (germline): Uncertain significance. Review status: criteria provided, multiple submitters, no conflicts (2 of 4 stars). 2 submissions from 2 submitters: Uncertain significance (2). Last evaluated 2025-01-01.

Conditions:
Inborn genetic diseases. Identifiers: MedGen C0950123, MeSH D030342.
Neuromuscular disease caused by qualitative or quantitative defects of dysferlin. Also called: Dysferlinopathy; Qualitative or quantitative defects of dysferlin. Identifiers: Orphanet 207073, MedGen C2931687, MONDO:0016145.

Allele frequency attached by ClinVar (database versions not stated): gnomAD exomes below 0.00001.
gnomAD v4.1: 2 of 1,613,674 alleles (0.00012%); highest among the groups gnomAD compares: Admixed American, 0.0033%; no homozygotes.

Submissions (2):

Ambry Genetics
Classification: Uncertain significance for Inborn genetic diseases. Last evaluated: 2025-01-01. Review status: criteria provided, single submitter. Criteria: Ambry Variant Classification Scheme 2023. Collection method: clinical testing. Allele origin: germline.

Labcorp Genetics (formerly Invitae), Labcorp
Classification: Uncertain significance for Neuromuscular disease caused by qualitative or quantitative defects of dysferlin. Last evaluated: 2022-07-03. Review status: criteria provided, single submitter. Criteria: Invitae Variant Classification Sherloc (09022015). Collection method: clinical testing. Allele origin: germline.
Comment: This sequence change replaces glutamic acid, which is acidic and polar, with lysine, which is basic and polar, at codon 784 of the DYSF protein (p.Glu784Lys). This variant is present in population databases (no rsID available, gnomAD 0.006%). This variant has not been reported in the literature in individuals affected with DYSF-related conditions. Advanced modeling of protein sequence and biophysical properties (such as structural, functional, and spatial information, amino acid conservation, physicochemical variation, residue mobility, and thermodynamic stability) performed at Invitae indicates that this missense variant is not expected to disrupt DYSF protein function. In summary, the available evidence is currently insufficient to determine the role of this variant in disease. Therefore, it has been classified as a Variant of Uncertain Significance.